The following is an entry in ClinVar:

NM_001711.6(BGN):c.275C>A (p.Thr92Asn)

Gene: BGN (biglycan; plus strand). Cytogenetic location: Xq28.
Variant type: single nucleotide variant.
Coding change: c.275C>A on transcript NM_001711.6 (MANE Select); coding-DNA position 275, C replaced by A.
Protein change: p.Thr92Asn; replaces threonine 92 with asparagine.
Molecular consequence: missense variant.
Genome position (GRCh38, 1-based): chrX:153,505,274, C>A. VCF-style: chrX-153505274-C-A. GRCh37 (hg19) VCF-style: chrX-152770732-C-A.
Other names: c.275C>A (NM_001711.4, NM_001711.5); short protein forms T92N.
Identifiers: ClinVar variation 1498277 (VCV001498277.8), dbSNP rs782789915, ClinGen allele CA10547181.
Genomic context (GRCh38, chrX:153,505,274, plus strand): 5'-TGGTGATGGGGGTGGGGCCCCTAGGTCTGAAGTCTGTGCCCAAAGAGATCTCCCCTGACA[C>A]CACGCTGCTGGACCTGCAGAACAACGACATCTCCGAGCTCCGCAAGGATGACTTCAAGGG-3'
Protein context (NP_001702.1, residues 82-102): KSVPKEISPD[Thr92Asn]TLLDLQNNDI

ClinVar aggregate classification (germline): Uncertain significance. Review status: criteria provided, multiple submitters, no conflicts (2 of 4 stars). 3 submissions from 3 submitters: Uncertain significance (3). Last evaluated 2023-10-16.

Conditions:
Cardiovascular phenotype. Identifiers: MedGen CN230736.

Allele frequency attached by ClinVar (database versions not stated): gnomAD 0.00001; gnomAD exomes 0.00001 and 0.00002; TOPMed 0.00001; ExAC 0.00002.
gnomAD v4.1: 10 of 1,208,218 alleles (0.00083%); highest among the groups gnomAD compares: Non-Finnish European, 0.0011%; no homozygotes.

Submissions (3):

Ambry Genetics
Classification: Uncertain significance for Cardiovascular phenotype. Last evaluated: 2023-10-16. Review status: criteria provided, single submitter. Criteria: Ambry Variant Classification Scheme 2023. Collection method: clinical testing. Allele origin: germline.
Comment: The p.T92N variant (also known as c.275C>A), located in coding exon 2 of the BGN gene, results from a C to A substitution at nucleotide position 275. The threonine at codon 92 is replaced by asparagine, an amino acid with similar properties. Based on data from gnomAD, the A allele has an overall frequency of 0.0022% (4/182915) total alleles studied, with 2 hemizygote(s) observed. The highest observed frequency was 0.0049% (4/81590) of European (non-Finnish) alleles. This amino acid position is conserved. In addition, the in silico prediction for this alteration is inconclusive. Since supporting evidence is limited at this time, the clinical significance of this alteration remains unclear.

Labcorp Genetics (formerly Invitae), Labcorp
Classification: Uncertain significance. Last evaluated: 2023-03-09. Review status: criteria provided, single submitter. Criteria: Invitae Variant Classification Sherloc (09022015). Collection method: clinical testing. Allele origin: germline.
Comment: This sequence change replaces threonine, which is neutral and polar, with asparagine, which is neutral and polar, at codon 92 of the BGN protein (p.Thr92Asn). This variant is present in population databases (rs782789915, gnomAD 0.005%). This variant has not been reported in the literature in individuals affected with BGN-related conditions. ClinVar contains an entry for this variant (Variation ID: 1498277). Advanced modeling of protein sequence and biophysical properties (such as structural, functional, and spatial information, amino acid conservation, physicochemical variation, residue mobility, and thermodynamic stability) performed at Invitae indicates that this missense variant is expected to disrupt BGN protein function. In summary, the available evidence is currently insufficient to determine the role of this variant in disease. Therefore, it has been classified as a Variant of Uncertain Significance.

GeneDx
Classification: Uncertain significance. Last evaluated: 2022-12-21. Review status: criteria provided, single submitter. Criteria: GeneDx Variant Classification Process June 2021. Collection method: clinical testing. Allele origin: germline. Affected: yes.
Comment: Has not been previously published as pathogenic or benign to our knowledge; In silico analysis, which includes protein predictors and evolutionary conservation, supports a deleterious effect; Variants in candidate genes are classified as variants of uncertain significance in accordance with ACMG guidelines (Richards et al., 2015)